The following is an entry in ClinVar:

NM_001256789.3(CACNA1F):c.1290C>T (p.Ala430=)

Gene: CACNA1F (calcium voltage-gated channel subunit alpha1 F; minus strand). Cytogenetic location: Xp11.23.
Variant type: single nucleotide variant.
Coding change: c.1290C>T on transcript NM_001256789.3 (MANE Select); coding-DNA position 1290, C replaced by T.
Protein change: p.Ala430=; no amino-acid change (alanine 430 retained).
Molecular consequence: synonymous variant.
Genome position (GRCh38, 1-based): chrX:49,226,689, G>A on the plus strand (C>T on the coding strand, the complement: CACNA1F is on the minus strand). VCF-style: chrX-49226689-G-A. GRCh37 (hg19) VCF-style: chrX-49083151-G-A.
Other names: c.1128C>T, p.Ala376= (NM_001256790.3); c.1323C>T, p.Ala441= (NM_005183.4).
Identifiers: ClinVar variation 728814 (VCV000728814.14), dbSNP rs782593082, ClinGen allele CA10410901.

ClinVar aggregate classification (germline): Benign/Likely benign. Review status: criteria provided, multiple submitters, no conflicts (2 of 4 stars). 3 submissions from 3 submitters: Benign (1); Likely benign (1). 1 of the submissions does not count toward it. Last evaluated 2026-01-18.

Conditions:
CACNA1F-related disorder. Also called: CACNA1F-related condition.

Allele frequency attached by ClinVar (database versions not stated): gnomAD 0.00001 and 0.00015; TOPMed 0.00003; gnomAD exomes 0.00027 and 0.00066; 1000 Genomes Project 30x 0.00104; ExAC 0.00110; 1000 Genomes Project 0.00132.
gnomAD v4.1: 310 of 1,175,120 alleles (0.026%); highest among the groups gnomAD compares: South Asian, 0.53%; no homozygotes.

Submissions (3):

Labcorp Genetics (formerly Invitae), Labcorp
Classification: Benign. Last evaluated: 2026-01-18. Review status: criteria provided, single submitter. Criteria: Invitae Variant Classification Sherloc (09022015). Collection method: clinical testing. Allele origin: germline.

Blueprint Genetics
Classification: Likely benign. Last evaluated: 2024-08-29. Review status: criteria provided, single submitter. Criteria: ACMG Guidelines, 2015. Collection method: clinical testing. Allele origin: germline.

PreventionGenetics, part of Exact Sciences
Classification: Likely benign for CACNA1F-related condition. Last evaluated: 2019-10-17. Review status: no assertion criteria provided. Collection method: clinical testing. Allele origin: germline. Not counted in ClinVar's aggregate classification.
Comment: This variant is classified as likely benign based on ACMG/AMP sequence variant interpretation guidelines (Richards et al. 2015 PMID: 25741868, with internal and published modifications).